The following is an entry in ClinVar:

NM_015102.5(NPHP4):c.280-7T>G

Gene: NPHP4 (nephrocystin 4; minus strand). Cytogenetic location: 1p36.31.
Variant type: single nucleotide variant.
Coding change: c.280-7T>G on transcript NM_015102.5 (MANE Select); 7 bases into the intron before coding-DNA position 280, T replaced by G.
Molecular consequence: intron variant.
Genome position (GRCh38, 1-based): chr1:5,969,266, A>C on the plus strand (T>G on the coding strand, the complement: NPHP4 is on the minus strand). VCF-style: chr1-5969266-A-C. GRCh37 (hg19) VCF-style: chr1-6029326-A-C.
Other names: c.-1087-7T>G (NM_001291594.2); c.-950-7T>G (NM_001291593.2).
Identifiers: ClinVar variation 1921583 (VCV001921583.5), dbSNP rs1036932278, ClinGen allele CA17126053.
Genomic context (GRCh38, chr1:5,969,266, plus strand): 5'-TTCCACCACAGCCACGATATGAGGGTGGTTTAGGGATGTGTGAAAATACAAGGGCTGCAG[A>C]ACAGAAGCCAGAGGATGGTCTGAGTGTTCAGGACACACACAAAGAGGACATGGGCGCTGT-3'

ClinVar aggregate classification (germline): Uncertain significance (1 of 4 stars; one submission).

Conditions:
Nephronophthisis. Also called: Juvenile Nephronophthisis. Identifiers: Orphanet 655, MedGen C0687120, MONDO:0019005, HP:0000090.

Allele frequency attached by ClinVar (database versions not stated): gnomAD exomes below 0.00001; TOPMed below 0.00001.
gnomAD v4.1: 2 of 1,533,990 alleles (0.00013%); highest among the groups gnomAD compares: Non-Finnish European, 0.000088%; no homozygotes.

Submission:

Labcorp Genetics (formerly Invitae), Labcorp
Classification: Uncertain significance for Nephronophthisis. Last evaluated: 2022-08-06. Review status: criteria provided, single submitter. Criteria: Invitae Variant Classification Sherloc (09022015). Collection method: clinical testing. Allele origin: germline.
Comment: In summary, the available evidence is currently insufficient to determine the role of this variant in disease. Therefore, it has been classified as a Variant of Uncertain Significance. Algorithms developed to predict the effect of sequence changes on RNA splicing suggest that this variant may disrupt the consensus splice site. This variant has not been reported in the literature in individuals affected with NPHP4-related conditions. This variant is not present in population databases (gnomAD no frequency). This sequence change falls in intron 3 of the NPHP4 gene. It does not directly change the encoded amino acid sequence of the NPHP4 protein.